The following is an entry in ClinVar:

NM_182961.4(SYNE1):c.17564C>T (p.Thr5855Ile)

Gene: SYNE1 (spectrin repeat containing nuclear envelope protein 1; minus strand). Cytogenetic location: 6q25.2.
Variant type: single nucleotide variant.
Coding change: c.17564C>T on transcript NM_182961.4 (MANE Select); coding-DNA position 17564, C replaced by T.
Protein change: p.Thr5855Ile; replaces threonine 5855 with isoleucine.
Molecular consequence: missense variant.
Genome position (GRCh38, 1-based): chr6:152,300,759, G>A on the plus strand (C>T on the coding strand, the complement: SYNE1 is on the minus strand). VCF-style: chr6-152300759-G-A. GRCh37 (hg19) VCF-style: chr6-152621894-G-A.
Other names: c.17351C>T, p.Thr5784Ile (NM_033071.5); short protein forms T5855I, T5784I.
Identifiers: ClinVar variation 1437380 (VCV001437380.6), dbSNP rs1336941426, ClinGen allele CA366103514.

ClinVar aggregate classification (germline): Uncertain significance (1 of 4 stars; one submission).

Conditions:
Emery-Dreifuss muscular dystrophy 4, autosomal dominant (EDMD4). Also called: EMERY-DREIFUSS MUSCULAR DYSTROPHY 4 WITH VARIABLE FEATURES. Identifiers: Orphanet 261, MedGen C2751807, MONDO:0013071, OMIM 612998.
Autosomal recessive ataxia, Beauce type. Also called: Spinocerebellar ataxia, autosomal recessive 8; ATAXIA, RECESSIVE, OF BEAUCE; SYNE1 Deficiency; SYNE1-Related Autosomal Recessive Cerebellar Ataxia. Identifiers: Orphanet 88644, MedGen C1853116, MONDO:0012549, OMIM 610743.

Allele frequency attached by ClinVar (database versions not stated): gnomAD exomes below 0.00001; gnomAD 0.00001; TOPMed 0.00001.
gnomAD v4.1: 4 of 1,614,120 alleles (0.00025%); highest among the groups gnomAD compares: Non-Finnish European, 0.00034%; no homozygotes.

Submission:

Labcorp Genetics (formerly Invitae), Labcorp
Classification: Uncertain significance for Emery-Dreifuss muscular dystrophy 4, autosomal dominant; Autosomal recessive ataxia, Beauce type. Last evaluated: 2022-03-18. Review status: criteria provided, single submitter. Criteria: Invitae Variant Classification Sherloc (09022015). Collection method: clinical testing. Allele origin: germline.
Comment: This sequence change replaces threonine, which is neutral and polar, with isoleucine, which is neutral and non-polar, at codon 5784 of the SYNE1 protein (p.Thr5784Ile). This variant is not present in population databases (gnomAD no frequency). This variant has not been reported in the literature in individuals affected with SYNE1-related conditions. Algorithms developed to predict the effect of missense changes on protein structure and function (SIFT, PolyPhen-2, Align-GVGD) all suggest that this variant is likely to be disruptive. In summary, the available evidence is currently insufficient to determine the role of this variant in disease. Therefore, it has been classified as a Variant of Uncertain Significance.